The following is an entry in ClinVar:

ClinVar aggregate classification (germline): Benign (0 of 4 stars; one submission).

Conditions:
EP400-related disorder. Also called: EP400-related condition.

Submission:

PreventionGenetics, part of Exact Sciences
Classification: Benign for EP400-related condition. Last evaluated: 2019-06-06. Review status: no assertion criteria provided. Collection method: clinical testing. Allele origin: germline.
Comment: This variant is classified as benign based on ACMG/AMP sequence variant interpretation guidelines (Richards et al. 2015 PMID: 25741868, with internal and published modifications).

NM_015409.5(EP400):c.8184GCA[17] (p.Gln2748_Thr2749insGlnGlnGln)

Gene: EP400 (E1A binding protein p400; plus strand). Cytogenetic location: 12q24.33.
Variant type: Microsatellite.
Coding change: c.8184GCA[17] on transcript NM_015409.5 (MANE Select); 17 copies in a row of the 3-base unit GCA starting at c.8184; the reference has 14 copies in a row; three copies, 9 bases duplicated.
Protein change: p.Gln2748_Thr2749insGlnGlnGln.
Genome position (GRCh38, 1-based): chr12:132,062,584-132,062,592, GCAGCAGCA duplicated; duplicating any 9 consecutive bases within chr12:132,062,549-132,062,592 gives the same sequence; the position shown is the placement nearest the transcript's 3' end. VCF-style (leftmost placement, unchanged base first): chr12-132062548-A-ACAGCAGCAG. GRCh37 (hg19) VCF-style: chr12-132547093-A-ACAGCAGCAG.
Identifiers: ClinVar variation 3055467 (VCV003055467.2), dbSNP rs528214697, ClinGen allele CA608511689.